The following is an entry in ClinVar:

ClinVar aggregate classification (germline): Conflicting classifications of pathogenicity. Review status: criteria provided, conflicting classifications (1 of 4 stars). 2 submissions from 2 submitters: Likely pathogenic (1); Uncertain significance (1). Last evaluated 2022-03-17.

Conditions:
Hypertrophic cardiomyopathy 1 (CMH1). Also called: Familial hypertrophic cardiomyopathy 1; MYH7-Related Familial Hypertrophic Cardiomyopathy. Identifiers: MedGen C3495498, MONDO:0008647, OMIM 192600.
Dilated cardiomyopathy 1S (CMD1S). Identifiers: Orphanet 154, Orphanet 54260, MedGen C1834481, MONDO:0013262, OMIM 613426.
Hypertrophic cardiomyopathy. Also called: HYPERTROPHIC MYOCARDIOPATHY. Identifiers: Orphanet 217569, MedGen C0007194, MeSH D002312, MONDO:0005045, HP:0001639.

Submissions (2):

Diagnostics Services (NGS), CSIR - Centre For Cellular And Molecular Biology
Classification: Likely pathogenic for Dilated cardiomyopathy 1S; Hypertrophic cardiomyopathy 1. Last evaluated: 2022-03-17. Review status: criteria provided, single submitter. Criteria: ACMG Guidelines, 2015. Collection method: clinical testing. Allele origin: unknown. Inheritance: Autosomal dominant inheritance. Affected: yes. Observed: 1 variant allele, 1 heterozygote.
Comment: The c.1021T>A variant is not present in publicly available population databases like 1000 Genomes, Exome Variant Server (EVS), Exome Aggregation Consortium (ExAC), Genome Aggregation Database (gnomAD) and Indian Exome Database. The variant is also not present in our in-house exome database. The variant was not previously reported to Clinvar, Human Genome Mutation Database (HGMD) and/or OMIM databases, in any affected individuals. In-silico pathogenicity prediction programs like SIFT, PolyPhen-2, MutationTaster2, CADD, Varsome etc. predicted this variant to be likely deleterious. The variant is located in a mutational hotspot region of the gene and well established functional domain (Myosin motor) of the protein. An alternate allele (NM_000257.4:c.1021T>C, p.Phe341Leu) in the same position was previously identified in patients affected with hypertrophic cardiomyopathy (PMID: 25351510) and reported to HGMD (ID: CM1516424).

Labcorp Genetics (formerly Invitae), Labcorp
Classification: Uncertain significance for Hypertrophic cardiomyopathy. Last evaluated: 2022-03-17. Review status: criteria provided, single submitter. Criteria: Invitae Variant Classification Sherloc (09022015). Collection method: clinical testing. Allele origin: germline.
Comment: Algorithms developed to predict the effect of missense changes on protein structure and function are either unavailable or do not agree on the potential impact of this missense change (SIFT: "Deleterious"; PolyPhen-2: "Probably Damaging"; Align-GVGD: "Class C0"). This variant has not been reported in the literature in individuals affected with MYH7-related conditions. This variant is not present in population databases (gnomAD no frequency). This sequence change replaces phenylalanine, which is neutral and non-polar, with isoleucine, which is neutral and non-polar, at codon 341 of the MYH7 protein (p.Phe341Ile). This variant is found within a region of MYH7 between codons 181 and 937 that contains the majority of the myosin head domain. Missense variants in this region have been shown to be significantly overrepresented in individuals with hypertrophic cardiomyopathy (PMID: 27532257). In summary, the available evidence is currently insufficient to determine the role of this variant in disease. Therefore, it has been classified as a Variant of Uncertain Significance.

Literature cited by the submitters: PubMed 25351510 (cited by Diagnostics Services (NGS), CSIR - Centre For Cellular And Molecular Biology); PubMed 27532257 (cited by Labcorp Genetics (formerly Invitae), Labcorp).

NM_000257.4(MYH7):c.1021T>A (p.Phe341Ile)

Gene: MYH7 (myosin heavy chain 7; minus strand). Cytogenetic location: 14q11.2.
Variant type: single nucleotide variant.
Coding change: c.1021T>A on transcript NM_000257.4 (MANE Select); coding-DNA position 1021, T replaced by A.
Protein change: p.Phe341Ile; replaces phenylalanine 341 with isoleucine.
Molecular consequence: missense variant.
Genome position (GRCh38, 1-based): chr14:23,429,892, A>T on the plus strand (T>A on the coding strand, the complement: MYH7 is on the minus strand). VCF-style: chr14-23429892-A-T. GRCh37 (hg19) VCF-style: chr14-23899101-A-T.
Other names: short protein forms F341I.
Identifiers: ClinVar variation 1691286 (VCV001691286.9), dbSNP rs2138677574, ClinGen allele CA389051534.
Genomic context (GRCh38, chr14:23,429,892, plus strand): 5'-TTCCAAAGTGCATGATGGCGCCTGTCAGCTTATACATGGAGTTTTTCTCCTCTGAAGTGA[A>T]GCCCAGCACATCAAAAGCGTTCTGTAGGGAGGCCCCATATTGGCGGACCCCAGAAAAAGA-3'
Protein context (NP_000248.2, residues 331-351): ATDNAFDVLG[Phe341Ile]TSEEKNSMYK